The following is an entry in ClinVar:

ClinVar aggregate classification (germline): Likely benign. Review status: criteria provided, multiple submitters, no conflicts (2 of 4 stars). 4 submissions from 4 submitters: Likely benign (3). 1 of the submissions does not count toward it. Last evaluated 2025-03-07.

Conditions:
Inborn genetic diseases. Identifiers: MedGen C0950123, MeSH D030342.

Allele frequency attached by ClinVar (database versions not stated): gnomAD 0.00005; ExAC 0.00007; gnomAD exomes 0.00009 and 0.00017; TOPMed 0.00010.
gnomAD v4.1: 256 of 1,613,442 alleles (0.016%); highest among the groups gnomAD compares: Middle Eastern, 0.033%; no homozygotes.

Submissions (4):

Labcorp Genetics (formerly Invitae), Labcorp
Classification: Likely benign. Last evaluated: 2025-03-07. Review status: criteria provided, single submitter. Criteria: Invitae Variant Classification Sherloc (09022015). Collection method: clinical testing. Allele origin: germline.

CeGaT Center for Human Genetics Tuebingen
Classification: Likely benign. Last evaluated: 2024-07-01. Review status: criteria provided, single submitter. Criteria: CeGaT Center For Human Genetics Tuebingen Variant Classification Criteria Version 2. Collection method: clinical testing. Allele origin: germline. Affected: yes. Observed: 3 variant alleles.
Comment: AHDC1: BS1

Ambry Genetics
Classification: Likely benign for Inborn genetic diseases. Last evaluated: 2022-06-29. Review status: criteria provided, single submitter. Criteria: Ambry Variant Classification Scheme 2023. Collection method: clinical testing. Allele origin: germline.

Department of Pathology and Laboratory Medicine, Sinai Health System
Classification: Likely benign. Review status: no assertion criteria provided. Collection method: clinical testing. Allele origin: unknown. Affected: yes. Study: The Canadian Open Genetics Repository (COGR). Not counted in ClinVar's aggregate classification.
Comment: The AHDC1 p.Gly161Ser variant was not identified in the literature nor was it identified in ClinVar. The variant was identified in dbSNP (ID: rs765209526) and in control databases in 26 of 280140 chromosomes at a frequency of 0.00009281 (Genome Aggregation Database March 6, 2019, v2.1.1). The variant was observed in the following populations: European (non-Finnish) in 20 of 126790 chromosomes (freq: 0.000158), Latino in 5 of 35392 chromosomes (freq: 0.000141) and African in 1 of 24910 chromosomes (freq: 0.00004), but was not observed in the Ashkenazi Jewish, East Asian, European (Finnish), Other, or South Asian populations. The p.Gly161 residue is conserved across mammals and other organisms however four out of five computational analyses (PolyPhen-2, SIFT, AlignGVGD, BLOSUM, MutationTaster) do not suggest a high likelihood of impact to the protein; this information is not predictive enough to rule out pathogenicity. The variant occurs outside of the splicing consensus sequence and three of four in silico or computational prediction software programs (SpliceSiteFinder, MaxEntScan, NNSPLICE, GeneSplicer) do not predict a greater than 10% difference in splicing; this is not very predictive of pathogenicity. In summary, based on the above information the clinical significance of this variant cannot be determined with certainty at this time although we would lean towards a more benign role for this variant. This variant is classified as likely benign.

NM_001371928.1(AHDC1):c.481G>A (p.Gly161Ser)

Gene: AHDC1 (AT-hook DNA binding motif containing 1; minus strand). Cytogenetic location: 1p36.11.
Variant type: single nucleotide variant.
Coding change: c.481G>A on transcript NM_001371928.1 (MANE Select); coding-DNA position 481, G replaced by A.
Protein change: p.Gly161Ser; replaces glycine 161 with serine.
Molecular consequence: missense variant.
Genome position (GRCh38, 1-based): chr1:27,551,635, C>T on the plus strand (G>A on the coding strand, the complement: AHDC1 is on the minus strand). VCF-style: chr1-27551635-C-T. GRCh37 (hg19) VCF-style: chr1-27878146-C-T.
Other names: c.481G>A (NM_001029882.2); c.481G>A, p.Gly161Ser (NM_001029882.3); short protein forms G161S.
Identifiers: ClinVar variation 1050039 (VCV001050039.42), dbSNP rs765209526, ClinGen allele CA716143.